The following is an entry in ClinVar:

NM_001363711.2(DUOX2):c.1472del (p.Glu491fs)

Gene: DUOX2 (dual oxidase 2; minus strand). Cytogenetic location: 15q21.1.
Variant type: Deletion.
Coding change: c.1472del on transcript NM_001363711.2 (MANE Select); coding-DNA position 1472, one base deleted (A; older notation c.1472delA).
Protein change: p.Glu491fs; shifts the reading frame from glutamic acid 491.
Molecular consequence: frameshift variant.
Genome position (GRCh38, 1-based): chr15:45,108,149, T deleted on the plus strand (A on the coding strand, the reverse complement: DUOX2 is on the minus strand). VCF-style (leftmost placement, unchanged base first): chr15-45108148-CT-C. GRCh37 (hg19) VCF-style: chr15-45400346-CT-C.
Other names: c.1472del, p.Glu491fs (NM_014080.5); short protein forms E491fs.
Identifiers: ClinVar variation 3646971 (VCV003646971.2).

ClinVar aggregate classification (germline): Pathogenic (1 of 4 stars; one submission).

Submission:

Labcorp Genetics (formerly Invitae), Labcorp
Classification: Pathogenic. Last evaluated: 2024-03-20. Review status: criteria provided, single submitter. Criteria: Invitae Variant Classification Sherloc (09022015). Collection method: clinical testing. Allele origin: germline.
Comment: This sequence change creates a premature translational stop signal (p.Glu491Glyfs*95) in the DUOX2 gene. It is expected to result in an absent or disrupted protein product. Loss-of-function variants in DUOX2 are known to be pathogenic (PMID: 12110737, 18765513, 21565790, 24423310, 24735383). This variant is not present in population databases (gnomAD no frequency). This variant has not been reported in the literature in individuals affected with DUOX2-related conditions. For these reasons, this variant has been classified as Pathogenic.

Literature cited by the submitters: PubMed 12110737; PubMed 18765513; PubMed 21565790; PubMed 24423310; PubMed 24735383.